The following is an entry in ClinVar:

ClinVar aggregate classification (germline): Uncertain significance (1 of 4 stars; one submission).

Conditions:
Chédiak-Higashi syndrome (CHS). Also called: Chediak-Higashi Syndrome. Identifiers: Orphanet 167, MedGen C0007965, MONDO:0008963, OMIM 214500.

Submission:

Labcorp Genetics (formerly Invitae), Labcorp
Classification: Uncertain significance for Chédiak-Higashi syndrome. Last evaluated: 2025-12-16. Review status: criteria provided, single submitter. Criteria: Invitae Variant Classification Sherloc (09022015). Collection method: clinical testing. Allele origin: germline.
Comment: This sequence change replaces arginine, which is basic and polar, with leucine, which is neutral and non-polar, at codon 3216 of the LYST protein (p.Arg3216Leu). This variant is not present in population databases (gnomAD no frequency). This variant has not been reported in the literature in individuals affected with LYST-related conditions. Invitae Evidence Modeling of protein sequence and biophysical properties (such as structural, functional, and spatial information, amino acid conservation, physicochemical variation, residue mobility, and thermodynamic stability) indicates that this missense variant is not expected to disrupt LYST protein function with a negative predictive value of 80%. In summary, the available evidence is currently insufficient to determine the role of this variant in disease. Therefore, it has been classified as a Variant of Uncertain Significance.

NM_000081.4(LYST):c.9647G>T (p.Arg3216Leu)

Gene: LYST (lysosomal trafficking regulator; minus strand). Cytogenetic location: 1q42.3.
Variant type: single nucleotide variant.
Coding change: c.9647G>T on transcript NM_000081.4 (MANE Select); coding-DNA position 9647, G replaced by T.
Protein change: p.Arg3216Leu; replaces arginine 3216 with leucine.
Molecular consequence: missense variant.
Genome position (GRCh38, 1-based): chr1:235,715,338, C>A on the plus strand (G>T on the coding strand, the complement: LYST is on the minus strand). VCF-style: chr1-235715338-C-A. GRCh37 (hg19) VCF-style: chr1-235878638-C-A.
Other names: c.9647G>T, p.Arg3216Leu (NM_001301365.1); short protein forms R3216L.
Identifiers: ClinVar variation 4749909 (VCV004749909.1).